The following is an entry in ClinVar:

NM_004304.5(ALK):c.1771A>G (p.Ser591Gly)

Gene: ALK (ALK receptor tyrosine kinase; minus strand). Cytogenetic location: 2p23.2.
Variant type: single nucleotide variant.
Coding change: c.1771A>G on transcript NM_004304.5 (MANE Select); coding-DNA position 1771, A replaced by G.
Protein change: p.Ser591Gly; replaces serine 591 with glycine.
Molecular consequence: missense variant.
Genome position (GRCh38, 1-based): chr2:29,296,934, T>C on the plus strand (A>G on the coding strand, the complement: ALK is on the minus strand). VCF-style: chr2-29296934-T-C. GRCh37 (hg19) VCF-style: chr2-29519800-T-C.
Other names: short protein forms S591G.
Identifiers: ClinVar variation 4039891 (VCV004039891.2).

ClinVar aggregate classification (germline): Uncertain significance. Review status: criteria provided, multiple submitters, no conflicts (2 of 4 stars). 2 submissions from 2 submitters: Uncertain significance (2). Last evaluated 2025-06-06.

Conditions:
Hereditary cancer-predisposing syndrome. Also called: Neoplastic Syndromes, Hereditary; Tumor predisposition; Hereditary Cancer Syndrome; Hereditary neoplastic syndrome. Identifiers: Orphanet 140162, MedGen C0027672, MeSH D009386, MONDO:0015356.
Neuroblastoma, susceptibility to, 3. Also called: ALK-Related Neuroblastic Tumor Susceptibility. Identifiers: Orphanet 635, MedGen C2751681, MONDO:0013083, OMIM 613014.

Submissions (2):

Ambry Genetics
Classification: Uncertain significance for Hereditary cancer-predisposing syndrome. Last evaluated: 2025-06-06. Review status: criteria provided, single submitter. Criteria: Ambry Variant Classification Scheme 2023. Collection method: clinical testing. Allele origin: germline.
Comment: The p.S591G variant (also known as c.1771A>G), located in coding exon 9 of the ALK gene, results from an A to G substitution at nucleotide position 1771. The serine at codon 591 is replaced by glycine, an amino acid with similar properties. This amino acid position is conserved. In addition, this alteration is predicted to be tolerated by in silico analysis. Based on the available evidence, the clinical significance of this variant remains unclear.

Labcorp Genetics (formerly Invitae), Labcorp
Classification: Uncertain significance for Neuroblastoma, susceptibility to, 3. Last evaluated: 2025-03-07. Review status: criteria provided, single submitter. Criteria: Invitae Variant Classification Sherloc (09022015). Collection method: clinical testing. Allele origin: germline.
Comment: This sequence change replaces serine, which is neutral and polar, with glycine, which is neutral and non-polar, at codon 591 of the ALK protein (p.Ser591Gly). This variant is not present in population databases (gnomAD no frequency). This variant has not been reported in the literature in individuals affected with ALK-related conditions. An algorithm developed to predict the effect of missense changes on protein structure and function outputs the following: PolyPhen-2: "Benign". The glycine amino acid residue is found in multiple mammalian species, which suggests that this missense change does not adversely affect protein function. In summary, the available evidence is currently insufficient to determine the role of this variant in disease. Therefore, it has been classified as a Variant of Uncertain Significance.